The following is an entry in ClinVar:

NM_000053.4(ATP7B):c.4088C>G (p.Ser1363Cys)

Gene: ATP7B (ATPase copper transporting beta; minus strand). Cytogenetic location: 13q14.3.
Variant type: single nucleotide variant.
Coding change: c.4088C>G on transcript NM_000053.4 (MANE Select); coding-DNA position 4088, C replaced by G.
Protein change: p.Ser1363Cys; replaces serine 1363 with cysteine.
Molecular consequence: missense variant.
Genome position (GRCh38, 1-based): chr13:51,935,629, G>C on the plus strand (C>G on the coding strand, the complement: ATP7B is on the minus strand). VCF-style: chr13-51935629-G-C. GRCh37 (hg19) VCF-style: chr13-52509765-G-C.
Other names: c.3467C>G, p.Ser1156Cys (NM_001005918.3); c.3755C>G, p.Ser1252Cys (NM_001243182.2); c.3854C>G, p.Ser1285Cys (NM_001330578.2); c.3836C>G, p.Ser1279Cys (NM_001330579.2); short protein forms S1156C, S1252C, S1279C, S1285C, S1363C.
Identifiers: ClinVar variation 1210361 (VCV001210361.15), dbSNP rs776848753, ClinGen allele CA6988495.

ClinVar aggregate classification (germline): Conflicting classifications of pathogenicity. Review status: criteria provided, conflicting classifications (1 of 4 stars). 5 submissions from 5 submitters: Likely pathogenic (1); Uncertain significance (4). Last evaluated 2026-03-26.

Conditions:
Wilson disease (WND). Also called: Wilson's disease. Identifiers: Orphanet 905, MedGen C0019202, MONDO:0010200, OMIM 277900. Disease mechanism: loss of function.

Allele frequency attached by ClinVar (database versions not stated): gnomAD exomes below 0.00001; ExAC 0.00001; gnomAD 0.00001; TOPMed 0.00001.
gnomAD v4.1: 8 of 1,613,758 alleles (0.0005%); highest among the groups gnomAD compares: African/African-American, 0.0013%; no homozygotes.

Submissions (5):

Myriad Genetics, Inc.
Classification: Uncertain significance for Wilson disease. Last evaluated: 2026-03-26. Review status: criteria provided, single submitter. Criteria: Myriad Autosomal Dominant, Autosomal Recessive and X-Linked Classification Criteria (2023). Collection method: clinical testing. Allele origin: unknown.
Comment: NM_000053.3(ATP7B):c.4088C>G(S1363C) is a missense variant classified as a variant of uncertain significance in the context of Wilson disease. S1363C has not been observed in cases with relevant disease. Relevant functional assessments of this variant are not available in the literature. S1363C has been observed in referenced population frequency databases. In summary, there is insufficient evidence to classify NM_000053.3(ATP7B):c.4088C>G(S1363C) as pathogenic or benign. Please note: this variant was assessed in the context of healthy population screening.

Fulgent Genetics
Classification: Uncertain significance for Wilson disease. Last evaluated: 2024-03-07. Review status: criteria provided, single submitter. Criteria: ACMG Guidelines, 2015. Collection method: clinical testing. Allele origin: germline.

All of Us Research Program, National Institutes of Health
Classification: Uncertain significance for Wilson disease. Last evaluated: 2024-02-05. Review status: criteria provided, single submitter. Criteria: ACMG Guidelines, 2015. Collection method: clinical testing. Allele origin: germline. Inheritance: Autosomal recessive inheritance. Observed: 2 variant alleles, 2 heterozygotes.
Comment: This missense variant replaces serine with cysteine at codon 1363 of the ATP7B protein. Computational prediction suggests that this variant may have deleterious impact on protein structure and function (internally defined REVEL score threshold >= 0.7, PMID: 27666373). To our knowledge, functional studies have not been reported for this variant. This variant has not been reported in individuals affected with ATP7B-related disorders in the literature. This variant has been identified in 2/278382 chromosomes in the general population by the Genome Aggregation Database (gnomAD). A different missense variant occurring at the same codon, p.Ser1363Phe, is reported to be disease-causing (ClinVar variation ID: 188908). The available evidence is insufficient to determine the role of this variant in disease conclusively. Therefore, this variant is classified as a Variant of Uncertain Significance.

This study involves interpretation of variants in research participants for the purpose of population health screening. Participant phenotype was not available at the time of variant classification. Additional details can be found in publication PMID: 35346344, PMCID: PMC8962531

Labcorp Genetics (formerly Invitae), Labcorp
Classification: Likely pathogenic for Wilson disease. Last evaluated: 2023-10-22. Review status: criteria provided, single submitter. Criteria: Invitae Variant Classification Sherloc (09022015). Collection method: clinical testing. Allele origin: germline.
Comment: This sequence change replaces serine, which is neutral and polar, with cysteine, which is neutral and slightly polar, at codon 1363 of the ATP7B protein (p.Ser1363Cys). This variant is present in population databases (rs776848753, gnomAD 0.007%). This variant has not been reported in the literature in individuals affected with ATP7B-related conditions. ClinVar contains an entry for this variant (Variation ID: 1210361). Advanced modeling of protein sequence and biophysical properties (such as structural, functional, and spatial information, amino acid conservation, physicochemical variation, residue mobility, and thermodynamic stability) performed at Invitae indicates that this missense variant is expected to disrupt ATP7B protein function. This variant disrupts the p.Ser1363 amino acid residue in ATP7B. Other variant(s) that disrupt this residue have been determined to be pathogenic (PMID: 10544227, 19937698, 21610751, 24094725). This suggests that this residue is clinically significant, and that variants that disrupt this residue are likely to be disease-causing. In summary, the currently available evidence indicates that the variant is pathogenic, but additional data are needed to prove that conclusively. Therefore, this variant has been classified as Likely Pathogenic.

Genome-Nilou Lab
Classification: Uncertain significance for Wilson disease. Last evaluated: 2021-07-22. Review status: criteria provided, single submitter. Criteria: ACMG Guidelines, 2015. Collection method: clinical testing. Allele origin: germline. Affected: no.

Literature cited by the submitters: PubMed 10544227 (cited by Labcorp Genetics (formerly Invitae), Labcorp); PubMed 19937698 (cited by Labcorp Genetics (formerly Invitae), Labcorp); PubMed 21610751 (cited by Labcorp Genetics (formerly Invitae), Labcorp); PubMed 24094725 (cited by Labcorp Genetics (formerly Invitae), Labcorp).